The following is an entry in ClinVar:

NM_198271.5(LMOD3):c.1403T>A (p.Met468Lys)

Gene: LMOD3 (leiomodin 3; minus strand). Cytogenetic location: 3p14.1.
Variant type: single nucleotide variant.
Coding change: c.1403T>A on transcript NM_198271.5 (MANE Select); coding-DNA position 1403, T replaced by A.
Protein change: p.Met468Lys; replaces methionine 468 with lysine.
Molecular consequence: missense variant.
Genome position (GRCh38, 1-based): chr3:69,118,952, A>T on the plus strand (T>A on the coding strand, the complement: LMOD3 is on the minus strand). VCF-style: chr3-69118952-A-T. GRCh37 (hg19) VCF-style: chr3-69168103-A-T.
Other names: c.1403T>A, p.Met468Lys (NM_001304418.3); short protein forms M468K.
Identifiers: ClinVar variation 1056511 (VCV001056511.5), dbSNP rs2107525869, ClinGen allele CA353470738.

ClinVar aggregate classification (germline): Uncertain significance (1 of 4 stars; one submission).

Conditions:
Nemaline myopathy 10 (NEM10). Identifiers: MedGen C4015360, MONDO:0014513, OMIM 616165.

Submission:

Labcorp Genetics (formerly Invitae), Labcorp
Classification: Uncertain significance for Nemaline myopathy 10. Last evaluated: 2020-06-23. Review status: criteria provided, single submitter. Criteria: Invitae Variant Classification Sherloc (09022015). Collection method: clinical testing. Allele origin: germline.
Comment: In summary, the available evidence is currently insufficient to determine the role of this variant in disease. Therefore, it has been classified as a Variant of Uncertain Significance. Algorithms developed to predict the effect of missense changes on protein structure and function (SIFT, PolyPhen-2, Align-GVGD) all suggest that this variant is likely to be tolerated, but these predictions have not been confirmed by published functional studies and their clinical significance is uncertain. This variant has not been reported in the literature in individuals with LMOD3-related conditions. This variant is not present in population databases (ExAC no frequency). This sequence change replaces methionine with lysine at codon 468 of the LMOD3 protein (p.Met468Lys). The methionine residue is moderately conserved and there is a moderate physicochemical difference between methionine and lysine.